The following continues an entry in ClinVar:

NM_000059.4(BRCA2):c.5645C>A (p.Ser1882Ter)

Gene: BRCA2. ClinVar aggregate classification (germline): Pathogenic. Pathogenic (1).

Submissions 25 to 41 of 50:

ARUP Laboratories, Molecular Genetics and Genomics, ARUP Laboratories
Classification: Pathogenic. Last evaluated: 2019-03-26. Review status: criteria provided, single submitter. Criteria: ARUP Molecular Germline Variant Investigation Process. Collection method: clinical testing. Allele origin: germline. Not counted in ClinVar's aggregate classification.
Comment: The BRCA2 c.5645C>A; p.Ser1882Ter variant (rs80358785), also known as 5873C>A, is reported in several individuals with hereditary breast and ovarian cancer syndrome and is described as a founder mutation in the Eastern European population (Caputo 2012, Heramb 2018, Meisel 2017, Momozawa 2018). It has also been reported in two brothers with Wilms tumor and brain tumors, who also carry an additional truncating variant in trans (Reid 2005). This variant is reported as pathogenic by multiple laboratories in ClinVar (Variation ID: 37984). It is found in the general population with a low overall allele frequency of 0.002% (4/249416 alleles) in the Genome Aggregation Database. This variant induces an early termination codon and is predicted to result in a truncated protein or mRNA subject to nonsense-mediated decay. Based on available information, this variant is considered to be pathogenic. REFERENCES Caputo S et al. Description and analysis of genetic variants in French hereditary breast and ovarian cancer families recorded in the UMD-BRCA1/BRCA2 databases. Nucleic Acids Res. 2012 Jan;40(Database issue):D992-1002. Heramb C et al. BRCA1 and BRCA2 mutation spectrum - an update on mutation distribution in a large cancer genetics clinic in Norway. Hered Cancer Clin Pract. 2018 Jan 10;16:3. Meisel C et al. Spectrum of genetic variants of BRCA1 and BRCA2 in a German single center study. Arch Gynecol Obstet. 2017 May;295(5):1227-1238. Momozawa Y et al. Germline pathogenic variants of 11 breast cancer genes in 7,051 Japanese patients and 11,241 controls. Nat Commun. 2018 Oct 4;9(1):4083. Reid S et al. Biallelic BRCA2 mutations are associated with multiple malignancies in childhood including familial Wilms tumour. J Med Genet. 2005 Feb;42(2):147-51.

Human Genome Sequencing Center Clinical Lab, Baylor College of Medicine
Classification: Pathogenic for Familial breast-ovarian cancer 2. Last evaluated: 2019-02-21. Review status: criteria provided, single submitter. Criteria: ACMG Guidelines, 2015. Collection method: clinical testing. Allele origin: germline. Not counted in ClinVar's aggregate classification.
Comment: The c.5645C>A (p.Ser1882*) variant in the BRCA2 gene is predicted to introduce a premature translational termination codon. This variant has been reported in multiple families affected with Hereditary Breast and Ovarian Cancer (PMID 10550133, 22144684, 28324225) and has also been reported in individuals affected with triple negative breast cancer (PMID 22666503), ovarian cancer (PMID 26439132) or metastatic prostate cancer (PMID 27433846). This variant is extremely rare in general population. Therefore, this c.5645C>A (p.Ser1882*) variant in the BRCA2 gene is classified as pathogenic.

Laboratory for Molecular Medicine, Mass General Brigham Personalized Medicine
Classification: Pathogenic for Hereditary breast ovarian cancer syndrome. Last evaluated: 2018-01-17. Review status: criteria provided, single submitter. Criteria: LMM Criteria. Collection method: clinical testing. Allele origin: germline. Inheritance: Autosomal dominant inheritance. Observed: 2 variant alleles. Not counted in ClinVar's aggregate classification.
Comment: The p.Ser1882X variant in BRCA2 has been reported in >60 individuals with BRCA2- associated cancers and segregated with disease in 2 affected relatives from 2 fa milies (Caputo 2012, De Silva 2017, Heidemann2012, Rebbeck 2016, Reid 2005). Thi s variant has also been identified in 1/17202 East Asian and 2/110946 European c hromosomes by the Genome Aggregation Database (gnomAD; dbSNP rs80358785). This nonsense variant leads to a premature terminati on codon at position 1882, which is predicted to lead to a truncated or absent p rotein. Heterozygous loss of function of the BRCA2 gene is an established diseas e mechanism in hereditary breast and ovarian cancer (HBOC). In addition, this va riant was classified as Pathogenic on April 22, 2016 by the ClinGen-approved ENI GMA expert panel (ClinVar SCV000282410.1). In summary, this variant meets criter ia to be classified as pathogenic for HBOC in an autosomal dominant manner based upon predicted impact to the protein, absence in the general population and pre sence in multiple affected individuals. ACMG/AMP Criteria applied: PVS1; PS4; PM 2 (Richards 2015).

CHEO Genetics Diagnostic Laboratory, Children's Hospital of Eastern Ontario
Classification: Pathogenic for Breast and/or ovarian cancer. Last evaluated: 2017-03-17. Review status: criteria provided, single submitter. Criteria: ACMG Guidelines, 2015. Collection method: clinical testing. Allele origin: germline. Study: Canadian Open Genetics Repository. Not counted in ClinVar's aggregate classification.

Women's Health and Genetics/Laboratory Corporation of America, LabCorp
Classification: Pathogenic for Hereditary breast ovarian cancer syndrome. Last evaluated: 2016-05-31. Review status: criteria provided, single submitter. Criteria: LabCorp Variant Classification Summary - May 2015. Collection method: clinical testing. Allele origin: germline. Not counted in ClinVar's aggregate classification.
Comment: Variant summary: The BRCA2 c.5645C>A (p.Ser1882X) variant results in a premature termination codon, predicted to cause a truncated or absent BRCA2 protein due to nonsense mediated decay, which are commonly known mechanisms for disease. The variant of interest was observed in the large, broad control population, ExAC, with an allele frequency of 3/120628 (1/40160, 0.0000249), which does not exceed the estimated maximal expected allele frequency for a pathogenic BRCA2 variant of 1/1333 (0.0007503). In addition, it needs to be noted that these three occurrences need to be cautiously considered due to the fact that the ExAC cohort contains individuals that could harbor a BRCA2 phenotype. However, multiple affected individuals have been reported via publications, along with numerous reputable databases/clinical laboratories citing the variant as "pathogenic." Therefore, the variant of interest has been classified as Pathogenic.

Laboratory of Molecular Diagnosis of Cancer, West China Hospital, Sichuan University
Classification: Pathogenic for Breast neoplasm. Last evaluated: 2015-11-01. Review status: criteria provided, single submitter. Criteria: ACMG Guidelines, 2015. Collection method: research. Allele origin: germline. Affected: yes. Observed: 2 variant alleles. Not counted in ClinVar's aggregate classification.

Consortium of Investigators of Modifiers of BRCA1/2 (CIMBA), c/o University of Cambridge
Classification: Pathogenic for Breast-ovarian cancer, familial, susceptibility to, 2. Last evaluated: 2015-10-02. Review status: criteria provided, single submitter. Criteria: CIMBA Mutation Classification guidelines May 2016. Collection method: clinical testing. Allele origin: germline. Not counted in ClinVar's aggregate classification.

Clinical Genetics DNA and cytogenetics Diagnostics Lab, Erasmus MC, Erasmus Medical Center
Classification: Pathogenic for Breast-ovarian cancer, familial, susceptibility to, 2. Last evaluated: 2015-09-21. Review status: criteria provided, single submitter. Criteria: ACGS Guidelines, 2013. Collection method: clinical testing. Allele origin: germline. Affected: yes. Study: VKGL Data-share Consensus. Not counted in ClinVar's aggregate classification.

Department of Medical Genetics, Oslo University Hospital
Classification: Pathogenic for Breast-ovarian cancer, familial, susceptibility to, 2. Last evaluated: 2015-07-01. Review status: criteria provided, single submitter. Criteria: ACMG Guidelines, 2015. Collection method: clinical testing. Allele origin: germline. Affected: yes. Observed: 7 variant alleles. Not counted in ClinVar's aggregate classification.

Genome Diagnostics Laboratory, University Medical Center Utrecht
Classification: Pathogenic for Breast-ovarian cancer, familial, susceptibility to, 2. Last evaluated: 2014-10-08. Review status: criteria provided, single submitter. Criteria: ACGS Guidelines, 2013. Collection method: clinical testing. Allele origin: germline. Affected: yes. Study: VKGL Data-share Consensus. Not counted in ClinVar's aggregate classification.

Juno Genomics, Hangzhou Juno Genomics, Inc
Classification: Pathogenic for Breast-ovarian cancer, familial, susceptibility to, 2. Review status: criteria provided, single submitter. Criteria: ACMG Guidelines, 2015. Collection method: clinical testing. Allele origin: germline. Not counted in ClinVar's aggregate classification.
Comment: Absent from controls (or at extremely low frequency if recessive) in Genome Aggregation Database.;Null variant in a gene where loss of function (LOF) is a known mechanism of disease.;Novel missense change at an amino acid residue where a different missense change determined to be pathogenic has been seen before.

Laboratory for Genotyping Development, RIKEN
Classification: Pathogenic for Gastric cancer. Last evaluated: 2021-07-01. Review status: no assertion criteria provided. Collection method: research. Allele origin: germline. Not counted in ClinVar's aggregate classification.

Rudy L. Ruggles Biomedical Research Institute, Danbury Hospital
Classification: Pathogenic for Prostate cancer; Metastatic Prostate Small Cell Carcinoma. Last evaluated: 2020-04-15. Review status: no assertion criteria provided. Collection method: research. Allele origin: germline. Inheritance: Autosomal dominant inheritance. Affected: yes. Not counted in ClinVar's aggregate classification.

BRCAlab, Lund University
Classification: Pathogenic for Breast-ovarian cancer, familial, susceptibility to, 2. Last evaluated: 2020-03-02. Review status: no assertion criteria provided. Collection method: clinical testing. Allele origin: germline. Affected: yes. Not counted in ClinVar's aggregate classification.

CZECANCA consortium
Classification: Pathogenic for Breast and/or ovarian cancer. Last evaluated: 2019-06-11. Review status: no assertion criteria provided. Collection method: clinical testing, case-control. Allele origin: germline. Affected: yes and no. Observed: 5 variant alleles. Not counted in ClinVar's aggregate classification.

German Consortium for Hereditary Breast and Ovarian Cancer, University Hospital Cologne
Classification: Pathogenic for Ovarian neoplasm. Last evaluated: 2018-12-01. Review status: no assertion criteria provided. Collection method: research. Allele origin: germline. Affected: yes. Not counted in ClinVar's aggregate classification.

Institute of Human Genetics, Medical University Innsbruck
Classification: Pathogenic for Breast-ovarian cancer, familial 2. Last evaluated: 2015-02-11. Review status: no assertion criteria provided. Criteria: clinical testing. Collection method: clinical testing. Allele origin: germline. Affected: yes. Study: BRCA-Tyrol. Not counted in ClinVar's aggregate classification.
Comment: BRCA-mutation spectrum Western Austria